The following is an entry in ClinVar:

NM_001370259.2(MEN1):c.664T>G (p.Tyr222Asp)

Gene: MEN1 (menin 1; minus strand). Cytogenetic location: 11q13.1.
Variant type: single nucleotide variant.
Coding change: c.664T>G on transcript NM_001370259.2 (MANE Select); coding-DNA position 664, T replaced by G.
Protein change: p.Tyr222Asp; replaces tyrosine 222 with aspartic acid.
Molecular consequence: missense variant.
Genome position (GRCh38, 1-based): chr11:64,807,671, A>C on the plus strand (T>G on the coding strand, the complement: MEN1 is on the minus strand). VCF-style: chr11-64807671-A-C. GRCh37 (hg19) VCF-style: chr11-64575143-A-C.
Other names: c.679T>G, p.Tyr227Asp (NM_000244.4, NM_130800.3, NM_130801.3 and 3 more transcripts); c.664T>G, p.Tyr222Asp (NM_001370251.2, NM_001370260.2, NM_001370261.2 and 1 more transcripts); c.559T>G, p.Tyr187Asp (NM_001370262.2, NM_001370263.2); short protein forms Y187D, Y222D, Y227D.
Identifiers: ClinVar variation 1043501 (VCV001043501.8), dbSNP rs1941830592, ClinGen allele CA381185219.

ClinVar aggregate classification (germline): Uncertain significance (1 of 4 stars; one submission).

Conditions:
Multiple endocrine neoplasia, type 1 (MEN1). Also called: MEN I; WERMER SYNDROME; Endocrine adenomatosis multiple; MEN 1; MEA I. Identifiers: Orphanet 652, MedGen C0025267, MeSH D018761, MONDO:0007540, OMIM 131100.

Submission:

Labcorp Genetics (formerly Invitae), Labcorp
Classification: Uncertain significance for Multiple endocrine neoplasia, type 1. Last evaluated: 2020-03-04. Review status: criteria provided, single submitter. Criteria: Invitae Variant Classification Sherloc (09022015). Collection method: clinical testing. Allele origin: germline.
Comment: This variant has not been reported in the literature in individuals with MEN1-related conditions. This variant is not present in population databases (ExAC no frequency). This sequence change replaces tyrosine with aspartic acid at codon 222 of the MEN1 protein (p.Tyr222Asp). The tyrosine residue is highly conserved and there is a large physicochemical difference between tyrosine and aspartic acid. Algorithms developed to predict the effect of missense changes on protein structure and function are either unavailable or do not agree on the potential impact of this missense change (SIFT: "Deleterious"; PolyPhen-2: "Probably Damaging"; Align-GVGD: "Class C0"). In summary, the available evidence is currently insufficient to determine the role of this variant in disease. Therefore, it has been classified as a Variant of Uncertain Significance.